The following is an entry in ClinVar:

ClinVar aggregate classification (germline): Pathogenic/Likely pathogenic. Review status: criteria provided, multiple submitters, no conflicts (2 of 4 stars). 2 submissions from 2 submitters: Pathogenic (1); Likely pathogenic (1). Last evaluated 2024-11-21.

Conditions:
Hereditary cancer-predisposing syndrome. Also called: Hereditary Cancer Syndrome; Neoplastic Syndromes, Hereditary; Hereditary neoplastic syndrome; Tumor predisposition. Identifiers: Orphanet 140162, MedGen C0027672, MeSH D009386, MONDO:0015356.

Submissions (2):

Molecular Diagnostics Laboratory, Catalan Institute of Oncology
Classification: Likely pathogenic for Hereditary cancer-predisposing syndrome. Last evaluated: 2024-11-21. Review status: criteria provided, single submitter. Criteria: ACMG Guidelines, 2015. Collection method: clinical testing. Allele origin: germline.
Comment: PVS1_Moderate, PM2_Supporting, PP4_Strong The c.3del, located in coding exon 1/14 of the FLCN gene, results from a deletion of one nucleotide at position 3, causing the deletion of the initiation codon (p.Met1?)(PVS1_Moderate). It is not present in the population database gnomAD v2.1.1, non-cancer dataset (PM2_Supporting). Computational tools predict no significant impact on splicing. To our knowledge, functional studies have not been performed for this variant. It has been reported in five families affected with Birt-Hogg-Dubé syndrome (BHDS) (internal data, PMID: 17034545, PMID: 19785621, PMID: 29357828 and internal data) (PP4_Strong). In addition, it has been reported in ClinVar (1x pathogenic) and LOVD (2x pathogenic) databases. VD). . Based on currently available information, c.3del is classified as a pathogenic variant according to ACMG guidelines.

Ambry Genetics
Classification: Pathogenic for Hereditary cancer-predisposing syndrome. Last evaluated: 2018-03-23. Review status: criteria provided, single submitter. Criteria: Ambry Variant Classification Scheme 2023. Collection method: clinical testing. Allele origin: germline.
Comment: The c.3delG pathogenic mutation, located in coding exon 1 of the FLCN gene, results from a deletion of one nucleotide at position 3, causing a translational frameshift with a predicted alternate stop codon (p.M1Ifs*52). This pathogenic mutation has been identified in multiple Birt-Hogg-Dube syndrome (BHDS) families with several individuals who have a history of spontaneous pneumothorax and/or multiple characteristic skin lesions, including pathologically confirmed fibrofolliculomas (Bessis D et al. Br J Dermatol. 2006 Nov;155(5):1067-9; Kluger N et al. Br J Dermatol. 2010 Mar;162(3):527-37). Of note, this alteration may be referred to as c.458delG in some literature. In addition to the clinical data presented in the literature, this alteration is expected to result in loss of function by premature protein truncation or nonsense-mediated mRNA decay. As such, this alteration is interpreted as a disease-causing mutation.

Literature cited by the submitters: PubMed 17034545 (cited by Ambry Genetics); PubMed 19785621 (cited by Ambry Genetics); PubMed 27780965 (cited by Ambry Genetics).

NM_144997.7(FLCN):c.3del (p.Met1fs)

Gene: FLCN (folliculin; minus strand). Cytogenetic location: 17p11.2.
Variant type: Deletion.
Coding change: c.3del on transcript NM_144997.7 (MANE Select); coding-DNA position 3, one base deleted (G; older notation c.3delG).
Protein change: p.Met1fs; shifts the reading frame from methionine 1.
Molecular consequence: frameshift variant, initiator codon variant.
Genome position (GRCh38, 1-based): chr17:17,228,135, C deleted on the plus strand (G on the coding strand, the reverse complement: FLCN is on the minus strand). VCF-style (leftmost placement, unchanged base first): chr17-17228134-TC-T. GRCh37 (hg19) VCF-style: chr17-17131448-TC-T.
Other names: c.3del (LRG_325t1); c.3del, p.Met1fs (NM_001353229.2, NM_001353230.2, NM_001353231.2 and 1 more transcripts); short protein forms M1fs.
Identifiers: ClinVar variation 428655 (VCV000428655.7), dbSNP rs1131690838, ClinGen allele CA645369645.
Genomic context (GRCh38, chr17:17,228,134, plus strand): 5'-TGCAGAAGAGAGTGCGGGGGCCGTGGAGCTCGCAGAAGTGGCAGAGAGCCACGATGGCAT[TC>T]ATGGTGCCTTGGAGACTGCAACAGGCCTGCGTGGGACAGGGGACATGTCAGCTTGCCAAT-3'